The following is an entry in ClinVar:

NM_000088.4(COL1A1):c.3123del (p.Ala1042fs)

Gene: COL1A1 (collagen type I alpha 1 chain; minus strand). Cytogenetic location: 17q21.33.
Variant type: Deletion.
Coding change: c.3123del on transcript NM_000088.4 (MANE Select); coding-DNA position 3123, one base deleted (C; older notation c.3123delC).
Protein change: p.Ala1042fs; shifts the reading frame from alanine 1042.
Molecular consequence: frameshift variant.
Genome position (GRCh38, 1-based): chr17:50,188,614, G deleted on the plus strand (C on the coding strand, the reverse complement: COL1A1 is on the minus strand); the first of 4 consecutive G bases (chr17:50,188,614-50,188,617); deleting any one gives the same sequence. VCF-style (leftmost placement, unchanged base first): chr17-50188613-CG-C. GRCh37 (hg19) VCF-style: chr17-48265974-CG-C.
Other names: c.3123delC (NM_000088.3); c.3123del (NM_000088.3); short protein forms A1042fs.
Identifiers: ClinVar variation 265644 (VCV000265644.10), dbSNP rs886039693, ClinGen allele CA10588663.

ClinVar aggregate classification (germline): Pathogenic. Review status: criteria provided, multiple submitters, no conflicts (2 of 4 stars). 3 submissions from 3 submitters: Pathogenic (3). Last evaluated 2026-01-12.

Conditions:
COL1A1-related disorder. Also called: COL1A1- related disease; COL1A1-related condition.
Osteogenesis imperfecta type I (OI1). Also called: OI, TYPE I; OSTEOGENESIS IMPERFECTA TARDA; OSTEOGENESIS IMPERFECTA WITH BLUE SCLERAE; Osteogenesis imperfecta type 1; Lobstein's Disease; Classic Non-deforming Osteogenesis Imperfecta with Blue Sclerae. Identifiers: Orphanet 216796, Orphanet 666, MedGen C0023931, MONDO:0008146, OMIM 166200. Disease mechanism: loss of function.

Submissions (3):

3billion
Classification: Pathogenic for COL1A1-related disorder. Last evaluated: 2026-01-12. Review status: criteria provided, single submitter. Criteria: ACMG Guidelines, 2015. Collection method: clinical testing. Allele origin: germline. Affected: yes.
Comment: The variant is not observed in the gnomAD v4.1.0 dataset. Predicted Consequence/Location: Frameshift: predicted to result in a loss or disruption of normal protein function through nonsense-mediated decay (NMD) or protein truncation. Multiple pathogenic variants are reported downstream of the variant. The variant has been reported at least twice as pathogenic without evidence for the classification (ClinVar ID: VCV000265644 /PMID: 35154279). Therefore, this variant is classified as Pathogenic according to the recommendation of ACMG/AMP guideline.

GeneDx
Classification: Pathogenic. Last evaluated: 2023-03-02. Review status: criteria provided, single submitter. Criteria: GeneDx Variant Classification Process June 2021. Collection method: clinical testing. Allele origin: germline. Affected: yes.
Comment: Frameshift variant predicted to result in protein truncation or nonsense mediated decay in a gene for which loss of function is a known mechanism of disease; Not observed at significant frequency in large population cohorts (gnomAD); This variant is associated with the following publications: (PMID: 35154279)

Labcorp Genetics (formerly Invitae), Labcorp
Classification: Pathogenic for Osteogenesis imperfecta type I. Last evaluated: 2020-12-07. Review status: criteria provided, single submitter. Criteria: Invitae Variant Classification Sherloc (09022015). Collection method: clinical testing. Allele origin: germline.
Comment: This variant is not present in population databases (ExAC no frequency). This sequence change creates a premature translational stop signal (p.Ala1042Leufs*66) in the COL1A1 gene. It is expected to result in an absent or disrupted protein product. Loss-of-function variants in COL1A1 are known to be pathogenic (PMID: 7942841, 9295084, 9443882). This variant has not been reported in the literature in individuals with COL1A1-related conditions. ClinVar contains an entry for this variant (Variation ID: 265644). For these reasons, this variant has been classified as Pathogenic.

Literature cited by the submitters: PubMed 35154279 (cited by 3billion); PubMed 7942841 (cited by Labcorp Genetics (formerly Invitae), Labcorp); PubMed 9295084 (cited by Labcorp Genetics (formerly Invitae), Labcorp); PubMed 9443882 (cited by Labcorp Genetics (formerly Invitae), Labcorp).